The following is an entry in ClinVar:

NM_001374736.1(DST):c.15938C>T (p.Thr5313Ile)

Gene: DST (dystonin; minus strand). Cytogenetic location: 6p12.1.
Variant type: single nucleotide variant.
Coding change: c.15938C>T on transcript NM_001374736.1 (MANE Select); coding-DNA position 15938, C replaced by T.
Protein change: p.Thr5313Ile; replaces threonine 5313 with isoleucine.
Molecular consequence: missense variant.
Genome position (GRCh38, 1-based): chr6:56,552,854, G>A on the plus strand (C>T on the coding strand, the complement: DST is on the minus strand). VCF-style: chr6-56552854-G-A. GRCh37 (hg19) VCF-style: chr6-56417652-G-A.
Other names: c.9581C>T, p.Thr3194Ile (NM_001144769.5); c.9167C>T, p.Thr3056Ile (NM_001144770.2); c.15938C>T, p.Thr5313Ile (NM_001374722.1); c.15305C>T, p.Thr5102Ile (NM_001374729.1); c.9047C>T, p.Thr3016Ile (NM_001374730.1, NM_001386100.1, NM_183380.4); c.15965C>T, p.Thr5322Ile (NM_001374734.1); c.8069C>T, p.Thr2690Ile (NM_015548.5); short protein forms T5102I, T5313I, T3056I, T5322I, T3194I, T2690I, T3016I.
Identifiers: ClinVar variation 1767457 (VCV001767457.8), dbSNP rs771402949, ClinGen allele CA3867749.

ClinVar aggregate classification (germline): Uncertain significance. Review status: criteria provided, multiple submitters, no conflicts (2 of 4 stars). 3 submissions from 3 submitters: Uncertain significance (3). Last evaluated 2022-04-15.

Conditions:
Inborn genetic diseases. Identifiers: MedGen C0950123, MeSH D030342.
Hereditary sensory and autonomic neuropathy type 6. Also called: HSAN VI; Neuropathy, hereditary sensory and autonomic, type VI. Identifiers: Orphanet 314381, MedGen C3539003, MONDO:0013839, OMIM 614653.
Epidermolysis bullosa simplex 3, localized or generalized intermediate, with BP230 deficiency (EBS3). Also called: Epidermolysis bullosa simplex, autosomal recessive 2; Epidermolysis bullosa simplex due to BP230 deficiency. Identifiers: Orphanet 412181, MedGen C3809470, MONDO:0014180, OMIM 615425.

Allele frequency attached by ClinVar (database versions not stated): gnomAD exomes 0.00001; ExAC 0.00002.
gnomAD v4.1: 10 of 1,613,598 alleles (0.00062%); highest among the groups gnomAD compares: Admixed American, 0.0017%; no homozygotes.

Submissions (3):

Labcorp Genetics (formerly Invitae), Labcorp
Classification: Uncertain significance for Epidermolysis bullosa simplex 3, localized or generalized intermediate, with BP230 deficiency; Hereditary sensory and autonomic neuropathy type 6. Last evaluated: 2022-04-15. Review status: criteria provided, single submitter. Criteria: Invitae Variant Classification Sherloc (09022015). Collection method: clinical testing. Allele origin: germline.
Comment: In summary, the available evidence is currently insufficient to determine the role of this variant in disease. Therefore, it has been classified as a Variant of Uncertain Significance. Experimental studies and prediction algorithms are not available or were not evaluated, and the functional significance of this variant is currently unknown. This variant has not been reported in the literature in individuals affected with DST-related conditions. This variant is present in population databases (rs771402949, gnomAD 0.002%). This sequence change replaces threonine, which is neutral and polar, with isoleucine, which is neutral and non-polar, at codon 2690 of the DST protein (p.Thr2690Ile). The DST gene has multiple clinically relevant transcripts. This variant occurs in alternate transcript NM_015548.4, and corresponds to NM_001723.5:c.*62663C>T in the primary transcript.

Ambry Genetics
Classification: Uncertain significance for Inborn genetic diseases. Last evaluated: 2021-03-25. Review status: criteria provided, single submitter. Criteria: Ambry Variant Classification Scheme 2023. Collection method: clinical testing. Allele origin: germline.
Comment: The p.T3194I variant (also known as c.9581C>T), located in coding exon 55 of the DST gene, results from a C to T substitution at nucleotide position 9581. The threonine at codon 3194 is replaced by isoleucine, an amino acid with similar properties. This amino acid position is well conserved in available vertebrate species. In addition, this alteration is predicted to be tolerated by in silico analysis. Since supporting evidence is limited at this time, the clinical significance of this alteration remains unclear.

Blueprint Genetics
Classification: Uncertain significance. Last evaluated: 2021-03-08. Review status: criteria provided, single submitter. Criteria: ACMG Guidelines, 2015. Collection method: clinical testing. Allele origin: germline.